The following is an entry in ClinVar:

NM_000353.3(TAT):c.31A>G (p.Lys11Glu)

Gene: TAT (tyrosine aminotransferase; minus strand). Cytogenetic location: 16q22.2.
Variant type: single nucleotide variant.
Coding change: c.31A>G on transcript NM_000353.3 (MANE Select); coding-DNA position 31, A replaced by G.
Protein change: p.Lys11Glu; replaces lysine 11 with glutamic acid.
Molecular consequence: missense variant.
Genome position (GRCh38, 1-based): chr16:71,576,385, T>C on the plus strand (A>G on the coding strand, the complement: TAT is on the minus strand). VCF-style: chr16-71576385-T-C. GRCh37 (hg19) VCF-style: chr16-71610288-T-C.
Other names: short protein forms K11E.
Identifiers: ClinVar variation 2131331 (VCV002131331.4), dbSNP rs2507673054, ClinGen allele CA396654616.
Genomic context (GRCh38, chr16:71,576,385, plus strand): 5'-GCACAGAGCTTCTCCCACCAACGTTGACATGCACGTCCAGAATTGAGGGGAGGTTGCCTT[T>C]GCTGCTCATCTGAATCATGTATGGGTCCATCACTAGCGAAGCCTGCGAGGGGAAAGAAGT-3'
Protein context (NP_000344.1, residues 1-21): MDPYMIQMSS[Lys11Glu]GNLPSILDVH

ClinVar aggregate classification (germline): Uncertain significance (1 of 4 stars; one submission).

Conditions:
Tyrosinemia type II (TYRSN2). Also called: KERATOSIS PALMOPLANTARIS WITH CORNEAL DYSTROPHY; OREGON TYPE TYROSINEMIA; TAT DEFICIENCY; TYROSINE AMINOTRANSFERASE DEFICIENCY; TYROSINE TRANSAMINASE DEFICIENCY. Identifiers: Orphanet 28378, MedGen C0268487, MONDO:0010160, OMIM 276600.

Submission:

Labcorp Genetics (formerly Invitae), Labcorp
Classification: Uncertain significance for Tyrosinemia type II. Last evaluated: 2022-04-29. Review status: criteria provided, single submitter. Criteria: Invitae Variant Classification Sherloc (09022015). Collection method: clinical testing. Allele origin: germline.
Comment: This sequence change replaces lysine, which is basic and polar, with glutamic acid, which is acidic and polar, at codon 11 of the TAT protein (p.Lys11Glu). This variant is not present in population databases (gnomAD no frequency). This variant has not been reported in the literature in individuals affected with TAT-related conditions. Algorithms developed to predict the effect of missense changes on protein structure and function (SIFT, PolyPhen-2, Align-GVGD) all suggest that this variant is likely to be tolerated. In summary, the available evidence is currently insufficient to determine the role of this variant in disease. Therefore, it has been classified as a Variant of Uncertain Significance.